The following is an entry in ClinVar:

ClinVar aggregate classification (germline): Likely pathogenic. Review status: criteria provided, multiple submitters, no conflicts (2 of 4 stars). 2 submissions from 2 submitters: Likely pathogenic (2). Last evaluated 2025-09-19.

Conditions:
Leukoencephalopathy with vanishing white matter 4 (VWM4). Also called: Leukoencephalopathy with vanishing white matter 4, with or without ovarian failure; EIF2B4-Related Childhood Ataxia with Central Nervous System Hypomyelination/Vanishing White Matter. Identifiers: MedGen C5830406, MONDO:0957872, OMIM 620314.

Allele frequency attached by ClinVar (database versions not stated): gnomAD exomes 0.00001; ExAC 0.00002; TOPMed 0.00002.
gnomAD v4.1: 67 of 1,614,128 alleles (0.0042%); highest among the groups gnomAD compares: Non-Finnish European, 0.0053%; no homozygotes.

Submissions (2):

First Genomix Gene Laboratory, Genetic Diagnostics Department
Classification: Likely pathogenic for Leukoencephalopathy with vanishing white matter 4. Last evaluated: 2025-09-19. Review status: criteria provided, single submitter. Criteria: ACMG Guidelines, 2015. Collection method: clinical testing. Allele origin: germline. Inheritance: Autosomal recessive inheritance. Affected: no. Observed: 1 variant allele.

GeneDx
Classification: Likely pathogenic. Last evaluated: 2023-10-20. Review status: criteria provided, single submitter. Criteria: GeneDx Variant Classification Process June 2021. Collection method: clinical testing. Allele origin: germline. Affected: yes.
Comment: Reported using alternate nomenclature (c.1565C>T, p.T522M) with a variant on the opposite allele (in trans) in a patient with vanishing white matter disease in published literature (PMID: 25761052); In silico analysis supports that this missense variant has a deleterious effect on protein structure/function; Not observed at significant frequency in large population cohorts (gnomAD); This variant is associated with the following publications: (PMID: 34745209, 25761052)

NM_001034116.2(EIF2B4):c.1505C>T (p.Thr502Met)

Genes: EIF2B4 (eukaryotic translation initiation factor 2B subunit delta; minus strand), GTF3C2-AS2 (GTF3C2 antisense RNA 2; plus strand). Cytogenetic location: 2p23.3.
Variant type: single nucleotide variant.
Coding change: c.1505C>T on transcript NM_001034116.2 (MANE Select); coding-DNA position 1505, C replaced by T.
Protein change: p.Thr502Met; replaces threonine 502 with methionine.
Molecular consequence: missense variant.
Genome position (GRCh38, 1-based): chr2:27,364,467, G>A on the plus strand (C>T on the coding strand, the complement: EIF2B4 is on the minus strand). VCF-style: chr2-27364467-G-A. GRCh37 (hg19) VCF-style: chr2-27587334-G-A.
Other names: c.1568C>T, p.Thr523Met (NM_001318965.2); c.1460C>T, p.Thr487Met (NM_001318966.2); c.1412C>T, p.Thr471Met (NM_001318967.2); c.920C>T, p.Thr307Met (NM_001318968.2); c.887C>T, p.Thr296Met (NM_001318969.2); c.1502C>T, p.Thr501Met (NM_015636.4); c.1565C>T, p.Thr522Met (NM_172195.4); short protein forms T501M, T502M, T296M, T307M, T523M, T522M, T471M, T487M.
Identifiers: ClinVar variation 631858 (VCV000631858.5), dbSNP rs749942048, ClinGen allele CA1576559.